The following is an entry in ClinVar:

ClinVar aggregate classification (germline): Conflicting classifications of pathogenicity. Review status: criteria provided, conflicting classifications (1 of 4 stars). 6 submissions from 6 submitters: Uncertain significance (3); Likely benign (3). Last evaluated 2026-05-27.

Conditions:
CDH23-related disorder. Also called: CDH23-related condition; CDH23-related disorders.
Inborn genetic diseases. Identifiers: MedGen C0950123, MeSH D030342.

Allele frequency attached by ClinVar (database versions not stated): TOPMed 0.00006; ESP Exome Variant Server 0.00008; gnomAD 0.00008; ExAC 0.00013; gnomAD exomes 0.00013 and 0.00015.
gnomAD v4.1: 229 of 1,612,686 alleles (0.014%); highest among the groups gnomAD compares: South Asian, 0.07%; no homozygotes.

Submissions (6):

PreventionGenetics, part of Exact Sciences
Classification: Uncertain significance for CDH23-related condition. Last evaluated: 2026-05-27. Review status: criteria provided, single submitter. Criteria: ACMG Guidelines, 2015. Collection method: clinical testing. Allele origin: germline.
Comment: The CDH23 c.6637G>A variant is predicted to result in the amino acid substitution p.Gly2213Ser. To our knowledge, this variant has not been reported in the literature. This variant is reported in 0.069% of alleles in individuals of South Asian descent in gnomAD. Although we suspect that this variant may be benign, at this time, the clinical significance of this variant is uncertain due to the absence of conclusive functional and genetic evidence.

Labcorp Genetics (formerly Invitae), Labcorp
Classification: Likely benign. Last evaluated: 2026-01-14. Review status: criteria provided, single submitter. Criteria: Invitae Variant Classification Sherloc (09022015). Collection method: clinical testing. Allele origin: germline.

GeneDx
Classification: Uncertain significance. Last evaluated: 2025-04-10. Review status: criteria provided, single submitter. Criteria: GeneDx Variant Classification Process June 2021. Collection method: clinical testing. Allele origin: germline.
Comment: In silico analysis indicates that this missense variant does not alter protein structure/function; Has not been previously published as pathogenic or benign to our knowledge

Blueprint Genetics
Classification: Likely benign. Last evaluated: 2024-03-21. Review status: criteria provided, single submitter. Criteria: ACMG Guidelines, 2015. Collection method: clinical testing. Allele origin: germline.

Ambry Genetics
Classification: Uncertain significance for Inborn genetic diseases. Last evaluated: 2024-01-03. Review status: criteria provided, single submitter. Criteria: Ambry Variant Classification Scheme 2023. Collection method: clinical testing. Allele origin: germline.

Laboratory for Molecular Medicine, Mass General Brigham Personalized Medicine
Classification: Likely benign. Last evaluated: 2013-10-11. Review status: criteria provided, single submitter. Criteria: LMM Criteria. Collection method: clinical testing. Allele origin: germline. Observed: 1 variant allele.
Comment: Gly2213Ser in Exon 48 of CDH23: This variant is not expected to have clinical s ignificance because the glycine (Gly) residue at position 2213 is not conserved through species, with many mammals having a serine (Ser). In addition, this var iant has been identified in 0.01% (1/8522) of European American chromosomes by t he NHLBI Exome Sequencing Project (dbSNP rs37 5900265).

NM_022124.6(CDH23):c.6637G>A (p.Gly2213Ser)

Gene: CDH23 (cadherin related 23; plus strand). Cytogenetic location: 10q22.1.
Variant type: single nucleotide variant.
Coding change: c.6637G>A on transcript NM_022124.6 (MANE Select); coding-DNA position 6637, G replaced by A.
Protein change: p.Gly2213Ser; replaces glycine 2213 with serine.
Molecular consequence: missense variant.
Genome position (GRCh38, 1-based): chr10:71,793,565, G>A. VCF-style: chr10-71793565-G-A. GRCh37 (hg19) VCF-style: chr10-73553322-G-A.
Other names: short protein forms G2213S.
Identifiers: ClinVar variation 162931 (VCV000162931.13), dbSNP rs375900265, ClinGen allele CA175502.